The following is an entry in ClinVar:

ClinVar aggregate classification (germline): Uncertain significance. Review status: criteria provided, multiple submitters, no conflicts (2 of 4 stars). 2 submissions from 2 submitters: Uncertain significance (2). Last evaluated 2024-03-13.

Conditions:
Hereditary cancer-predisposing syndrome. Also called: Hereditary neoplastic syndrome; Tumor predisposition; Hereditary Cancer Syndrome; Neoplastic Syndromes, Hereditary. Identifiers: Orphanet 140162, MedGen C0027672, MeSH D009386, MONDO:0015356.
Hereditary breast ovarian cancer syndrome. Also called: BRCA1- and BRCA2-Associated Hereditary Breast and Ovarian Cancer; Hereditary breast and ovarian cancer; Hereditary breast and ovarian cancer syndrome (HBOC); Breast and ovarian cancer; Hereditary breast and ovarian cancer syndrome; Hereditary breast and/or ovarian cancer syndrome. Identifiers: Orphanet 145, MedGen C0677776, MeSH D061325, MONDO:0003582. Disease mechanism: loss of function.

Submissions (2):

Labcorp Genetics (formerly Invitae), Labcorp
Classification: Uncertain significance for Hereditary breast ovarian cancer syndrome. Last evaluated: 2024-03-13. Review status: criteria provided, single submitter. Criteria: Invitae Variant Classification Sherloc (09022015). Collection method: clinical testing. Allele origin: germline.
Comment: This sequence change replaces leucine, which is neutral and non-polar, with proline, which is neutral and non-polar, at codon 954 of the BRCA1 protein (p.Leu954Pro). This variant is not present in population databases (gnomAD no frequency). This variant has not been reported in the literature in individuals affected with BRCA1-related conditions. ClinVar contains an entry for this variant (Variation ID: 2585820). Advanced modeling of protein sequence and biophysical properties (such as structural, functional, and spatial information, amino acid conservation, physicochemical variation, residue mobility, and thermodynamic stability) performed at Invitae indicates that this missense variant is not expected to disrupt BRCA1 protein function with a negative predictive value of 95%. In summary, the available evidence is currently insufficient to determine the role of this variant in disease. Therefore, it has been classified as a Variant of Uncertain Significance.

Ambry Genetics
Classification: Uncertain significance for Hereditary cancer-predisposing syndrome. Last evaluated: 2023-06-24. Review status: criteria provided, single submitter. Criteria: Ambry Variant Classification Scheme 2023. Collection method: clinical testing. Allele origin: germline.
Comment: The p.L954P variant (also known as c.2861T>C), located in coding exon 9 of the BRCA1 gene, results from a T to C substitution at nucleotide position 2861. The leucine at codon 954 is replaced by proline, an amino acid with similar properties. This amino acid position is poorly conserved in available vertebrate species. In addition, this alteration is predicted to be tolerated by in silico analysis. Since supporting evidence is limited at this time, the clinical significance of this alteration remains unclear.

NM_007294.4(BRCA1):c.2861T>C (p.Leu954Pro)

Gene: BRCA1 (BRCA1 DNA repair associated; minus strand). Cytogenetic location: 17q21.31.
Variant type: single nucleotide variant.
Coding change: c.2861T>C on transcript NM_007294.4 (MANE Select); coding-DNA position 2861, T replaced by C.
Protein change: p.Leu954Pro; replaces leucine 954 with proline.
Molecular consequence: missense variant. On other transcripts: intron variant (137).
Genome position (GRCh38, 1-based): chr17:43,092,670, A>G on the plus strand (T>C on the coding strand, the complement: BRCA1 is on the minus strand). VCF-style: chr17-43092670-A-G. GRCh37 (hg19) VCF-style: chr17-41244687-A-G.
Other names: c.647-1638T>C (NM_001408456.1, NM_001408410.1, NM_001408458.1 and 11 more transcripts); c.644-1638T>C (NM_001408465.1, NM_001408463.1, NM_001408462.1 and 3 more transcripts); c.578-1638T>C (NM_001408482.1, NM_001408484.1, NM_001408478.1 and 9 more transcripts); c.521-1638T>C (NM_001408504.1, NM_001408503.1, NM_001408505.1); c.524-1638T>C (NM_001408499.1, NM_001408498.1, NM_001408501.1 and 3 more transcripts); c.671-1638T>C (NM_001408422.1, NM_001408418.1, NM_001408423.1 and 2 more transcripts); c.707-1638T>C (NM_001408416.1, NM_001408413.1); c.662-1638T>C (NM_001408450.1, NM_001408434.1, NM_001408447.1 and 6 more transcripts); and 41 more; short protein forms L658P, L865P, L927P, L928P, L953P, L827P, L842P, L843P.
Identifiers: ClinVar variation 2585820 (VCV002585820.4), dbSNP rs2154355783, ClinGen allele CA10596262.